The following is an entry in ClinVar:

NM_138713.4(NFAT5):c.4298C>T (p.Pro1433Leu)

Gene: NFAT5 (nuclear factor of activated T cells 5; plus strand). Cytogenetic location: 16q22.1.
Variant type: single nucleotide variant.
Coding change: c.4298C>T on transcript NM_138713.4 (MANE Select); coding-DNA position 4298, C replaced by T.
Protein change: p.Pro1433Leu; replaces proline 1433 with leucine.
Molecular consequence: missense variant.
Genome position (GRCh38, 1-based): chr16:69,694,123, C>T. VCF-style: chr16-69694123-C-T. GRCh37 (hg19) VCF-style: chr16-69728026-C-T.
Other names: c.4295C>T, p.Pro1432Leu (NM_001113178.3); c.3623C>T, p.Pro1208Leu (NM_001367709.1); c.4244C>T, p.Pro1415Leu (NM_006599.4); c.4016C>T, p.Pro1339Leu (NM_138714.4, NM_173214.3, NM_173215.3); short protein forms P1339L, P1433L, P1208L, P1415L, P1432L.
Identifiers: ClinVar variation 2119920 (VCV002119920.4), dbSNP rs1404150594, ClinGen allele CA396515490.
Genomic context (GRCh38, chr16:69,694,123, plus strand): 5'-AGTCTCCTCTTTATTCCCCTCAGAACAACATGCCTGGAATTCAAGGAGCCACATCTTCGC[C>T]TCAACCACAGGCTACTTTATTTCACAACACAGCAGGAGGCACAATGAACCAACTGCAGAA-3'
Protein context (NP_619727.2, residues 1423-1443): MPGIQGATSS[Pro1433Leu]QPQATLFHNT

ClinVar aggregate classification (germline): Uncertain significance (1 of 4 stars; one submission).

Conditions:
Immunodeficiency. Identifiers: MedGen C0021051, MONDO:0021094, HP:0002721.

gnomAD v4.1: 1 of 1,614,228 alleles (0.000062%); highest among the groups gnomAD compares: Non-Finnish European, 0.000085%; no homozygotes.

Submission:

Labcorp Genetics (formerly Invitae), Labcorp
Classification: Uncertain significance for Immunodeficiency. Last evaluated: 2024-06-08. Review status: criteria provided, single submitter. Criteria: Invitae Variant Classification Sherloc (09022015). Collection method: clinical testing. Allele origin: germline.
Comment: This sequence change replaces proline, which is neutral and non-polar, with leucine, which is neutral and non-polar, at codon 1339 of the NFAT5 protein (p.Pro1339Leu). This variant is not present in population databases (gnomAD no frequency). This variant has not been reported in the literature in individuals affected with NFAT5-related conditions. ClinVar contains an entry for this variant (Variation ID: 2119920). An algorithm developed to predict the effect of missense changes on protein structure and function (PolyPhen-2) suggests that this variant is likely to be tolerated. In summary, the available evidence is currently insufficient to determine the role of this variant in disease. Therefore, it has been classified as a Variant of Uncertain Significance.